The following is an entry in ClinVar:

ClinVar aggregate classification (germline): Conflicting classifications of pathogenicity. Review status: criteria provided, conflicting classifications (1 of 4 stars). 2 submissions from 2 submitters: Uncertain significance (1); Likely benign (1). Last evaluated 2025-12-24.

Conditions:
Hereditary cancer-predisposing syndrome. Also called: Neoplastic Syndromes, Hereditary; Hereditary Cancer Syndrome; Tumor predisposition; Hereditary neoplastic syndrome. Identifiers: Orphanet 140162, MedGen C0027672, MeSH D009386, MONDO:0015356.
Pheochromocytoma. Also called: MAX-Related Hereditary Paraganglioma-Pheochromocytoma Syndrome. Identifiers: Orphanet 29072, MedGen C0031511, MONDO:0008233, OMIM 171300, HP:0002666.
Paragangliomas with sensorineural hearing loss. Identifiers: MedGen C1868633.
Carney-Stratakis syndrome. Also called: PARAGANGLIOMA AND GASTROINTESTINAL STROMAL TUMOR. Identifiers: Orphanet 97286, MedGen C1847319, MONDO:0011740, OMIM 606864.
Cowden syndrome 3 (CWS3). Identifiers: Orphanet 201, MedGen CN166604, MONDO:0014045.

Allele frequency attached by ClinVar (database versions not stated): gnomAD 0.00001; TOPMed 0.00001.
gnomAD v4.1: 3 of 1,613,754 alleles (0.00019%); highest among the groups gnomAD compares: Non-Finnish European, 0.00025%; no homozygotes.

Submissions (2):

Labcorp Genetics (formerly Invitae), Labcorp
Classification: Uncertain significance for Carney-Stratakis syndrome; Paragangliomas with sensorineural hearing loss; Pheochromocytoma; Cowden syndrome 3. Last evaluated: 2025-12-24. Review status: criteria provided, single submitter. Criteria: Invitae Variant Classification Sherloc (09022015). Collection method: clinical testing. Allele origin: germline.
Comment: This sequence change replaces arginine, which is basic and polar, with glutamine, which is neutral and polar, at codon 38 of the SDHD protein (p.Arg38Gln). This variant is not present in population databases (gnomAD no frequency). This variant has not been reported in the literature in individuals affected with SDHD-related conditions. ClinVar contains an entry for this variant (Variation ID: 971673). Invitae Evidence Modeling of protein sequence and biophysical properties (such as structural, functional, and spatial information, amino acid conservation, physicochemical variation, residue mobility, and thermodynamic stability) indicates that this missense variant is not expected to disrupt SDHD protein function with a negative predictive value of 95%. In summary, the available evidence is currently insufficient to determine the role of this variant in disease. Therefore, it has been classified as a Variant of Uncertain Significance.

Ambry Genetics
Classification: Likely benign for Hereditary cancer-predisposing syndrome. Last evaluated: 2023-11-14. Review status: criteria provided, single submitter. Criteria: Ambry Variant Classification Scheme 2023. Collection method: clinical testing. Allele origin: germline.

NM_003002.4(SDHD):c.113G>A (p.Arg38Gln)

Gene: SDHD (succinate dehydrogenase complex subunit D; plus strand). Cytogenetic location: 11q23.1.
Variant type: single nucleotide variant.
Coding change: c.113G>A on transcript NM_003002.4 (MANE Select); coding-DNA position 113, G replaced by A.
Protein change: p.Arg38Gln; replaces arginine 38 with glutamine.
Molecular consequence: missense variant. On other transcripts: non-coding transcript variant (1), intron variant (1).
Genome position (GRCh38, 1-based): chr11:112,087,917, G>A. VCF-style: chr11-112087917-G-A. GRCh37 (hg19) VCF-style: chr11-111958641-G-A.
Other names: c.113G>A, p.Arg38Gln (NM_001276503.2, NM_001276506.2); c.53-950G>A (NM_001276504.2); short protein forms R38Q.
Identifiers: ClinVar variation 971673 (VCV000971673.13), dbSNP rs199901239, ClinGen allele CA382617018.
Genomic context (GRCh38, chr11:112,087,917, plus strand): 5'-CTCTGTTGCTTCGAACTCCAGTGGTCAGACCTGCTCATATCTCAGCATTTCTTCAGGACC[G>A]ACCTATCCCAGAATGGTGTGGAGTGCAGCACATACACTTGTCACCGAGCCACCATTGTAT-3'
Protein context (NP_002993.1, residues 28-48): PAHISAFLQD[Arg38Gln]PIPEWCGVQH